The following is an entry in ClinVar:

NM_001130438.3(SPTAN1):c.785+20T>C

Gene: SPTAN1 (spectrin alpha, non-erythrocytic 1; plus strand). Cytogenetic location: 9q34.11.
Variant type: single nucleotide variant.
Coding change: c.785+20T>C on transcript NM_001130438.3 (MANE Select); 20 bases into the intron after coding-DNA position 785, T replaced by C.
Molecular consequence: intron variant.
Genome position (GRCh38, 1-based): chr9:128,576,976, T>C. VCF-style: chr9-128576976-T-C. GRCh37 (hg19) VCF-style: chr9-131339255-T-C.
Other names: c.785+20T>C (NM_001363759.2, NM_003127.4, NM_001363765.2 and 1 more transcripts).
Identifiers: ClinVar variation 207258 (VCV000207258.10), dbSNP rs529962403, ClinGen allele CA318557.
Genomic context (GRCh38, chr9:128,576,976, plus strand): 5'-GGGAAGCTCTTTGGGGCAGCAGAAGTTCAGCGCTTTAACAGGTGTCAAGCCAGAGTGGGC[T>C]TTGGGGAATGGGTCTCAACCTGGAGGGGAGTTGTGAAGCACAGGGCATGTGCTGGTGAGC-3'

ClinVar aggregate classification (germline): Benign. Review status: criteria provided, multiple submitters, no conflicts (2 of 4 stars). 2 submissions from 2 submitters: Benign (2). Last evaluated 2025-12-20.

Conditions:
Early-infantile DEE. Also called: Early infantile epileptic encephalopathy; Ohtahara syndrome; Early infantile epileptic encephalopathy with suppression bursts. Identifiers: Orphanet 1934, MedGen C0393706, MONDO:0800491.

Allele frequency attached by ClinVar (database versions not stated): gnomAD below 0.00001 and 0.00004; TOPMed 0.00002; gnomAD exomes 0.00015 and 0.00028; 1000 Genomes Project 0.00020; 1000 Genomes Project 30x 0.00031; ExAC 0.00035.
gnomAD v4.1: 220 of 1,614,028 alleles (0.014%); highest among the groups gnomAD compares: South Asian, 0.23%; 2 homozygotes.

Submissions (2):

Labcorp Genetics (formerly Invitae), Labcorp
Classification: Benign for Early-infantile DEE. Last evaluated: 2025-12-20. Review status: criteria provided, single submitter. Criteria: Invitae Variant Classification Sherloc (09022015). Collection method: clinical testing. Allele origin: germline.

GeneDx
Classification: Benign. Last evaluated: 2014-10-23. Review status: criteria provided, single submitter. Criteria: GeneDx Variant Classification (06012015). Collection method: clinical testing. Allele origin: germline. Affected: yes.
Comment: This variant is considered likely benign or benign based on one or more of the following criteria: it is a conservative change, it occurs at a poorly conserved position in the protein, it is predicted to be benign by multiple in silico algorithms, and/or has population frequency not consistent with disease.